The following is an entry in ClinVar:

ClinVar aggregate classification (germline): Uncertain significance (1 of 4 stars; one submission).

Allele frequency attached by ClinVar (database versions not stated): gnomAD exomes below 0.00001.
gnomAD v4.1: 1 of 1,613,406 alleles (0.000062%); highest among the groups gnomAD compares: Admixed American, 0.0017%; no homozygotes.

Submission:

Labcorp Genetics (formerly Invitae), Labcorp
Classification: Uncertain significance. Last evaluated: 2022-09-27. Review status: criteria provided, single submitter. Criteria: Invitae Variant Classification Sherloc (09022015). Collection method: clinical testing. Allele origin: germline.
Comment: In summary, the available evidence is currently insufficient to determine the role of this variant in disease. Therefore, it has been classified as a Variant of Uncertain Significance. Algorithms developed to predict the effect of missense changes on protein structure and function output the following: SIFT: "Tolerated"; PolyPhen-2: "Benign"; Align-GVGD: "Class C0". The threonine amino acid residue is found in multiple mammalian species, which suggests that this missense change does not adversely affect protein function. This variant has not been reported in the literature in individuals affected with MICAL1-related conditions. This variant is not present in population databases (gnomAD no frequency). This sequence change replaces alanine, which is neutral and non-polar, with threonine, which is neutral and polar, at codon 527 of the MICAL1 protein (p.Ala527Thr).

NM_022765.4(MICAL1):c.1522G>A (p.Ala508Thr)

Gene: MICAL1 (microtubule associated monooxygenase, calponin and LIM domain containing 1; minus strand). Cytogenetic location: 6q21.
Variant type: single nucleotide variant.
Coding change: c.1522G>A on transcript NM_022765.4 (MANE Select); coding-DNA position 1522, G replaced by A.
Protein change: p.Ala508Thr; replaces alanine 508 with threonine.
Molecular consequence: missense variant.
Genome position (GRCh38, 1-based): chr6:109,448,874, C>T on the plus strand (G>A on the coding strand, the complement: MICAL1 is on the minus strand). VCF-style: chr6-109448874-C-T. GRCh37 (hg19) VCF-style: chr6-109770077-C-T.
Other names: c.1264G>A, p.Ala422Thr (NM_001159291.2); c.1579G>A, p.Ala527Thr (NM_001286613.2); short protein forms A527T, A422T, A508T.
Identifiers: ClinVar variation 2001883 (VCV002001883.4), dbSNP rs2482790932, ClinGen allele CA365229553.